The following is an entry in ClinVar:

NM_001042492.3(NF1):c.7037_7042del (p.Asp2346_Leu2348delinsVal)

Gene: NF1 (neurofibromin 1; plus strand). Cytogenetic location: 17q11.2.
Variant type: Deletion.
Coding change: c.7037_7042del on transcript NM_001042492.3 (MANE Select); coding-DNA positions 7037 to 7042, 6 bases deleted (ATAGTC; older notation c.7037_7042delATAGTC).
Protein change: p.Asp2346_Leu2348delinsVal.
Molecular consequence: inframe indel.
Genome position (GRCh38, 1-based): chr17:31,340,620-31,340,625, ATAGTC deleted. VCF-style (leftmost placement, unchanged base first): chr17-31340619-GATAGTC-G. GRCh37 (hg19) VCF-style: chr17-29667637-GATAGTC-G.
Other names: c.6974_6979delATAGTC, p.Asp2325_Leu2327delinsVal (NM_000267.4); c.6974_6979delATAGTC (NM_000267.3).
Identifiers: ClinVar variation 3404930 (VCV003404930.1).

ClinVar aggregate classification (germline): Uncertain significance (1 of 4 stars; one submission).

Conditions:
Hereditary cancer-predisposing syndrome. Also called: Hereditary Cancer Syndrome; Tumor predisposition; Hereditary neoplastic syndrome; Neoplastic Syndromes, Hereditary. Identifiers: Orphanet 140162, MedGen C0027672, MeSH D009386, MONDO:0015356.
Cardiovascular phenotype. Identifiers: MedGen CN230736.

Submission:

Ambry Genetics
Classification: Uncertain significance for Cardiovascular phenotype; Hereditary cancer-predisposing syndrome. Last evaluated: 2024-12-06. Review status: criteria provided, single submitter. Criteria: Ambry Variant Classification Scheme 2023. Collection method: clinical testing. Allele origin: germline.
Comment: The c.6974_6979delATAGTC variant (also known as p.D2325_L2327delinsV) is located in coding exon 46 of the NF1 gene. This variant results from an in-frame ATAGTC deletion at nucleotide positions 6974 to 6979. This results in the in-frame deletion of 3 residues (DSL) and the insertion of a valine residue between codons 2325 and 2327. The impacted amino acid positions are well conserved in available vertebrate species. In addition, this alteration is predicted to be deleterious by in silico analysis (Choi Y et al. PLoS ONE. 2012; 7(10):e46688). Based on the available evidence, the clinical significance of this variant remains unclear.